The following is an entry in ClinVar:

NM_003906.5(MCM3AP):c.2931T>C (p.His977=)

Gene: MCM3AP (minichromosome maintenance complex component 3 associated protein; minus strand). Cytogenetic location: 21q22.3.
Variant type: single nucleotide variant.
Coding change: c.2931T>C on transcript NM_003906.5 (MANE Select); coding-DNA position 2931, T replaced by C.
Protein change: p.His977=; no amino-acid change (histidine 977 retained).
Molecular consequence: synonymous variant.
Genome position (GRCh38, 1-based): chr21:46,266,025, A>G on the plus strand (T>C on the coding strand, the complement: MCM3AP is on the minus strand). VCF-style: chr21-46266025-A-G. GRCh37 (hg19) VCF-style: chr21-47685939-A-G.
Other names: p.His977=.
Identifiers: ClinVar variation 403075 (VCV000403075.19), dbSNP rs2839181, ClinGen allele CA10076686.
Genomic context (GRCh38, chr21:46,266,025, plus strand): 5'-CTCCGCGGCCAGGCTCTCCCCGATGTACTTGTTCTGGGAGTTGAAGCTGCACACAGGGGT[A>G]TGACGAGGGACGGGGGGCAATGGCCCTCCGTTCACAATTTCCCCGACTGACACCGTCAGC-3'
Protein context (NP_003897.2, residues 967-987): NGGPLPPVPR[His977=]TPVCSFNSQN

ClinVar aggregate classification (germline): Benign. Review status: criteria provided, multiple submitters, no conflicts (2 of 4 stars). 7 submissions from 7 submitters: Benign (5). 2 of the submissions do not count toward it. Last evaluated 2026-02-04.

Allele frequency attached by ClinVar (database versions not stated): 1000 Genomes Project 0.42173; 1000 Genomes Project 30x 0.42708; ExAC 0.45147; gnomAD exomes 0.45743; gnomAD 0.46914 and 0.47408; TOPMed 0.47101; ESP Exome Variant Server 0.47401.
gnomAD v4.1: 739,601 of 1,610,844 alleles (46%); highest among the groups gnomAD compares: Admixed American, 54%; 171,754 homozygotes.

Submissions (7):

Labcorp Genetics (formerly Invitae), Labcorp
Classification: Benign. Last evaluated: 2026-02-04. Review status: criteria provided, single submitter. Criteria: Invitae Variant Classification Sherloc (09022015). Collection method: clinical testing. Allele origin: germline.

Mayo Clinic Laboratories, Mayo Clinic
Classification: Benign. Last evaluated: 2022-03-24. Review status: criteria provided, single submitter. Criteria: ACMG Guidelines, 2015. Collection method: clinical testing. Allele origin: germline. Observed: 792 variant alleles.

GeneDx
Classification: Benign. Last evaluated: 2021-05-04. Review status: criteria provided, single submitter. Criteria: GeneDx Variant Classification Process June 2021. Collection method: clinical testing. Allele origin: germline. Affected: yes.

Laboratory for Molecular Medicine, Mass General Brigham Personalized Medicine
Classification: Benign. Last evaluated: 2016-03-28. Review status: criteria provided, single submitter. Criteria: LMM Criteria. Collection method: clinical testing. Allele origin: germline.
Comment: Variant identified in a genome or exome case(s) and assessed due to predicted null impact of the variant or pathogenic assertions in the literature or databases. Disclaimer: This variant has not undergone full assessment. The following are preliminary notes: Frequency

Breakthrough Genomics
Classification: Benign. Review status: criteria provided, single submitter. Criteria: ACMG Guidelines, 2015. Collection method: not provided. Allele origin: germline. Inheritance: Autosomal recessive inheritance. Affected: yes.

Clinical Genetics, Academic Medical Center
Classification: Benign. Review status: no assertion criteria provided. Collection method: clinical testing. Allele origin: germline. Affected: yes. Study: VKGL Data-share Consensus. Not counted in ClinVar's aggregate classification.

Joint Genome Diagnostic Labs from Nijmegen and Maastricht, Radboudumc and MUMC+
Classification: Benign. Review status: no assertion criteria provided. Collection method: clinical testing. Allele origin: germline. Affected: yes. Study: VKGL Data-share Consensus. Not counted in ClinVar's aggregate classification.